The following is an entry in ClinVar:

NM_003873.7(NRP1):c.2620G>C (p.Val874Leu)

Gene: NRP1 (neuropilin 1; minus strand). Cytogenetic location: 10p11.22.
Variant type: single nucleotide variant.
Coding change: c.2620G>C on transcript NM_003873.7 (MANE Select); coding-DNA position 2620, G replaced by C.
Protein change: p.Val874Leu; replaces valine 874 with leucine.
Molecular consequence: missense variant. On other transcripts: non-coding transcript variant (1).
Genome position (GRCh38, 1-based): chr10:33,180,228, C>G on the plus strand (G>C on the coding strand, the complement: NRP1 is on the minus strand). VCF-style: chr10-33180228-C-G. GRCh37 (hg19) VCF-style: chr10-33469156-C-G.
Other names: c.2602G>C, p.Val868Leu (NM_001244972.2); c.2599G>C, p.Val867Leu (NM_001244973.2); c.2569G>C, p.Val857Leu (NM_001330068.2); short protein forms V874L, V857L, V868L, V867L.
Identifiers: ClinVar variation 4559226 (VCV004559226.2).

ClinVar aggregate classification (germline): Uncertain significance. Review status: criteria provided, multiple submitters, no conflicts (2 of 4 stars). 2 submissions from 2 submitters: Uncertain significance (2). Last evaluated 2026-01-22.

Conditions:
NRP1-related disorder. Also called: NRP1-related condition.

gnomAD v4.1: 8 of 1,614,068 alleles (0.0005%); highest among the groups gnomAD compares: Non-Finnish European, 0.00068%; no homozygotes.

Submissions (2):

PreventionGenetics, part of Exact Sciences
Classification: Uncertain significance for NRP1-related condition. Last evaluated: 2026-01-22. Review status: criteria provided, single submitter. Criteria: ACMG Guidelines, 2015. Collection method: clinical testing. Allele origin: germline.
Comment: The NRP1 c.2620G>C variant is predicted to result in the amino acid substitution p.Val874Leu. To our knowledge, this variant has not been reported in the literature or in a large population database (gnomAD), indicating this variant is rare. At this time, the clinical significance of this variant is uncertain due to the absence of conclusive functional and genetic evidence.

Ambry Genetics
Classification: Uncertain significance. Last evaluated: 2025-11-26. Review status: criteria provided, single submitter. Criteria: Ambry Variant Classification Scheme 2023. Collection method: clinical testing. Allele origin: germline.